The following is an entry in ClinVar:

NM_000230.3(LEP):c.30G>C (p.Leu10Phe)

Gene: LEP (leptin; plus strand). Cytogenetic location: 7q32.1.
Variant type: single nucleotide variant.
Coding change: c.30G>C on transcript NM_000230.3 (MANE Select); coding-DNA position 30, G replaced by C.
Protein change: p.Leu10Phe; replaces leucine 10 with phenylalanine.
Molecular consequence: missense variant.
Genome position (GRCh38, 1-based): chr7:128,252,048, G>C. VCF-style: chr7-128252048-G-C. GRCh37 (hg19) VCF-style: chr7-127892101-G-C.
Other names: c.30G>C (NM_000230.2); short protein forms L10F.
Identifiers: ClinVar variation 1422020 (VCV001422020.8), dbSNP rs775874401, ClinGen allele CA4469620.

ClinVar aggregate classification (germline): Uncertain significance. Review status: criteria provided, multiple submitters, no conflicts (2 of 4 stars). 2 submissions from 2 submitters: Uncertain significance (2). Last evaluated 2023-09-26.

Conditions:
LEP-related disorder. Also called: LEP-related condition.

Allele frequency attached by ClinVar (database versions not stated): gnomAD exomes below 0.00001 and 0.00002; gnomAD 0.00001; TOPMed 0.00002; ExAC 0.00003.
gnomAD v4.1: 14 of 1,614,076 alleles (0.00087%); highest among the groups gnomAD compares: East Asian, 0.0067%; no homozygotes.

Submissions (2):

PreventionGenetics, part of Exact Sciences
Classification: Uncertain significance for LEP-related condition. Last evaluated: 2023-09-26. Review status: criteria provided, single submitter. Criteria: ACMG Guidelines, 2015. Collection method: clinical testing. Allele origin: germline.
Comment: The LEP c.30G>C variant is predicted to result in the amino acid substitution p.Leu10Phe. To our knowledge, this variant has not been reported in the literature. This variant is reported in 0.025% of alleles in individuals of East Asian descent in gnomAD. At this time, the clinical significance of this variant is uncertain due to the absence of conclusive functional and genetic evidence.

Labcorp Genetics (formerly Invitae), Labcorp
Classification: Uncertain significance. Last evaluated: 2021-07-28. Review status: criteria provided, single submitter. Criteria: Invitae Variant Classification Sherloc (09022015). Collection method: clinical testing. Allele origin: germline.
Comment: In summary, the available evidence is currently insufficient to determine the role of this variant in disease. Therefore, it has been classified as a Variant of Uncertain Significance. Algorithms developed to predict the effect of missense changes on protein structure and function are either unavailable or do not agree on the potential impact of this missense change (SIFT: "Deleterious"; PolyPhen-2: "Probably Damaging"; Align-GVGD: "Class C15"). This variant has not been reported in the literature in individuals affected with LEP-related conditions. This variant is present in population databases (rs775874401, ExAC 0.05%). This sequence change replaces leucine with phenylalanine at codon 10 of the LEP protein (p.Leu10Phe). The leucine residue is highly conserved and there is a small physicochemical difference between leucine and phenylalanine.